The following is an entry in ClinVar:

NM_006901.4(MYO9A):c.3071T>C (p.Ile1024Thr)

Gene: MYO9A (myosin IXA; minus strand). Cytogenetic location: 15q23.
Variant type: single nucleotide variant.
Coding change: c.3071T>C on transcript NM_006901.4 (MANE Select); coding-DNA position 3071, T replaced by C.
Protein change: p.Ile1024Thr; replaces isoleucine 1024 with threonine.
Molecular consequence: missense variant.
Genome position (GRCh38, 1-based): chr15:71,901,270, A>G on the plus strand (T>C on the coding strand, the complement: MYO9A is on the minus strand). VCF-style: chr15-71901270-A-G. GRCh37 (hg19) VCF-style: chr15-72193611-A-G.
Other names: short protein forms I1024T.
Identifiers: ClinVar variation 1031101 (VCV001031101.1), dbSNP rs773768704, ClinGen allele CA7641664.
Genomic context (GRCh38, chr15:71,901,270, plus strand): 5'-TGTCTCAGATGGAGGAAATGCTGCCTACACAGCAAGACCCTGAACCATCGCTGCAACAAT[A>G]TGATTCTGCGGAGCACCTCTTGGTGAAGCAGATCTTGTAAGTGCTGTCGTTCCTGCTCCT-3'
Protein context (NP_008832.2, residues 1014-1034): LLHQEVLRRI[Ile1024Thr]LLQRWFRVLL

ClinVar aggregate classification (germline): Uncertain significance (1 of 4 stars; one submission).

Conditions:
Myasthenic syndrome, congenital, 24, presynaptic. Identifiers: MedGen C4748684, MONDO:0032597, OMIM 618198.

Allele frequency attached by ClinVar (database versions not stated): gnomAD 0.00001 and 0.00002; ExAC 0.00002; gnomAD exomes 0.00003 and 0.00004; TOPMed 0.00004.
gnomAD v4.1: 55 of 1,613,984 alleles (0.0034%); highest among the groups gnomAD compares: Middle Eastern, 0.016%; no homozygotes.

Submission:

Baylor Genetics
Classification: Uncertain significance for Myasthenic syndrome, congenital, 24, presynaptic. Last evaluated: 2020-02-07. Review status: criteria provided, single submitter. Criteria: ACMG Guidelines, 2015. Collection method: clinical testing. Allele origin: unknown. Affected: yes.
Comment: This variant was determined to be of uncertain significance according to ACMG Guidelines, 2015 [PMID:25741868].